The following is an entry in ClinVar:

NM_000019.4(ACAT1):c.405G>T (p.Met135Ile)

Gene: ACAT1 (acetyl-CoA acetyltransferase 1; plus strand). Cytogenetic location: 11q22.3.
Variant type: single nucleotide variant.
Coding change: c.405G>T on transcript NM_000019.4 (MANE Select); coding-DNA position 405, G replaced by T.
Protein change: p.Met135Ile; replaces methionine 135 with isoleucine.
Molecular consequence: missense variant. On other transcripts: non-coding transcript variant (1), intron variant (1).
Genome position (GRCh38, 1-based): chr11:108,135,212, G>T. VCF-style: chr11-108135212-G-T. GRCh37 (hg19) VCF-style: chr11-108005939-G-T.
Other names: c.405G>T, p.Met135Ile (NM_001386677.1); c.108G>T, p.Met36Ile (NM_001386679.1); c.135G>T, p.Met45Ile (NM_001386681.1, NM_001386682.1, NM_001386685.1 and 6 more transcripts); c.120+3258G>T (NM_001386678.1); short protein forms M36I, M135I, M45I.
Identifiers: ClinVar variation 2053305 (VCV002053305.4), dbSNP rs2496592273, ClinGen allele CA382506833.
Genomic context (GRCh38, chr11:108,135,212, plus strand): 5'-TTCTACTCCATGTACCACCATAAACAAAGTTTGTGCTTCAGGAATGAAAGCCATCATGAT[G>T]GCCTCTCAAAGTCTTATGTGTGGACATCAGGTAAGAAACACCGTCCTTCCCATTTATTAA-3'
Protein context (NP_000010.1, residues 125-145): VCASGMKAIM[Met135Ile]ASQSLMCGHQ

ClinVar aggregate classification (germline): Uncertain significance (1 of 4 stars; one submission).

Conditions:
Deficiency of acetyl-CoA acetyltransferase. Also called: MITOCHONDRIAL ACETOACETYL-CoA THIOLASE DEFICIENCY; Beta-ketothiolase deficiency; 3-KETOTHIOLASE DEFICIENCY; 3-OXOTHIOLASE DEFICIENCY. Identifiers: Orphanet 134, MedGen C1536500, MONDO:0008760, OMIM 203750. Disease mechanism: loss of function.

Submission:

Labcorp Genetics (formerly Invitae), Labcorp
Classification: Uncertain significance for Deficiency of acetyl-CoA acetyltransferase. Last evaluated: 2022-03-22. Review status: criteria provided, single submitter. Criteria: Invitae Variant Classification Sherloc (09022015). Collection method: clinical testing. Allele origin: germline.
Comment: In summary, the available evidence is currently insufficient to determine the role of this variant in disease. Therefore, it has been classified as a Variant of Uncertain Significance. Advanced modeling of protein sequence and biophysical properties (such as structural, functional, and spatial information, amino acid conservation, physicochemical variation, residue mobility, and thermodynamic stability) performed at Invitae indicates that this missense variant is not expected to disrupt ACAT1 protein function. This variant has not been reported in the literature in individuals affected with ACAT1-related conditions. This variant is not present in population databases (gnomAD no frequency). This sequence change replaces methionine, which is neutral and non-polar, with isoleucine, which is neutral and non-polar, at codon 135 of the ACAT1 protein (p.Met135Ile).